The following is an entry in ClinVar:

NM_005630.3(SLCO2A1):c.95A>G (p.Lys32Arg)

Gene: SLCO2A1 (solute carrier organic anion transporter family member 2A1; minus strand). Cytogenetic location: 3q22.2.
Variant type: single nucleotide variant.
Coding change: c.95A>G on transcript NM_005630.3 (MANE Select); coding-DNA position 95, A replaced by G.
Protein change: p.Lys32Arg; replaces lysine 32 with arginine.
Molecular consequence: missense variant.
Genome position (GRCh38, 1-based): chr3:134,029,708, T>C on the plus strand (A>G on the coding strand, the complement: SLCO2A1 is on the minus strand). VCF-style: chr3-134029708-T-C. GRCh37 (hg19) VCF-style: chr3-133748552-T-C.
Other names: short protein forms K32R.
Identifiers: ClinVar variation 4292762 (VCV004292762.1).
Genomic context (GRCh38, chr3:134,029,708, plus strand): 5'-CCAGCCGAAGGTGCGCCAGGCGCGGCTCCGGCCCGGAAGACCCCGCGGACTCCGCTCACC[T>C]TAATGTTGCCGAAGACCGAGCGGGCACAGCGGCCGGCTCGGCTAGTAGAGGTGTCGCTGC-3'
Protein context (NP_005621.2, residues 22-42): RCARSVFGNI[Lys32Arg]VFVLCQGLLQ

ClinVar aggregate classification (germline): Uncertain significance (1 of 4 stars; one submission).

Conditions:
Hypertrophic osteoarthropathy, primary, autosomal recessive, 2 (PHOAR2E). Also called: PACHYDERMOPERIOSTOSIS, AUTOSOMAL RECESSIVE; PDP, AUTOSOMAL RECESSIVE; HYPERTROPHIC OSTEOARTHROPATHY, PRIMARY, AUTOSOMAL RECESSIVE, 2/ENTEROPATHY SYNDROME; PHOAR2-enteropathy syndrome. Identifiers: Orphanet 2796, MedGen C3280800, MONDO:0013756, OMIM 614441.

Submission:

3billion
Classification: Uncertain significance for Hypertrophic osteoarthropathy, primary, autosomal recessive, 2. Last evaluated: 2024-07-10. Review status: criteria provided, single submitter. Criteria: ACMG Guidelines, 2015. Collection method: clinical testing. Allele origin: germline. Affected: yes.
Comment: The variant is not observed in the gnomAD v4.0.0 dataset. Predicted Consequence/Location: Missense variant In silico tool predictions suggest no damaging effect of the variant on gene or gene product [REVEL: 0.09 (<0.4); 3Cnet: 0.06 (<0.15, specificity 0.78 and negative predictive value 0.92)]. Therefore, this variant is classified as VUS according to the recommendation of ACMG/AMP guideline.